The following is an entry in ClinVar:

NM_147127.5(EVC2):c.2164_2172dup (p.Leu724_Gln725insGluGluLeu)

Gene: EVC2 (EvC ciliary complex subunit 2; minus strand). Cytogenetic location: 4p16.2.
Variant type: Duplication.
Coding change: c.2164_2172dup on transcript NM_147127.5 (MANE Select); coding-DNA positions 2164 to 2172, 9 bases duplicated (GAGGAGCTG; older notation c.2164_2172dupGAGGAGCTG).
Protein change: p.Leu724_Gln725insGluGluLeu.
Molecular consequence: inframe insertion.
Genome position (GRCh38, 1-based): chr4:5,622,866-5,622,874, CAGCTCCTC duplicated on the plus strand (GAGGAGCTG on the coding strand, the reverse complement: EVC2 is on the minus strand); duplicating any 9 consecutive bases within chr4:5,622,866-5,622,877 gives the same sequence; the c. name uses the placement nearest the transcript's 3' end. VCF-style (leftmost placement, unchanged base first): chr4-5622865-G-GCAGCTCCTC. GRCh37 (hg19) VCF-style: chr4-5624592-G-GCAGCTCCTC.
Other names: c.1924_1932dup, p.Leu644_Gln645insGluGluLeu (NM_001166136.2).
Identifiers: ClinVar variation 2166854 (VCV002166854.4), dbSNP rs1344536427, ClinGen allele CA549707365.

ClinVar aggregate classification (germline): Uncertain significance (1 of 4 stars; one submission).

Conditions:
Ellis-van Creveld syndrome (EVC). Also called: EVC-Related Ellis-van Creveld Syndrome; EVC2-Related Ellis-van Creveld Syndrome; Chondroectodermal dysplasia; MESOECTODERMAL DYSPLASIA. Identifiers: Orphanet 289, MedGen C0013903, MONDO:0009162, OMIM 225500.
Curry-Hall syndrome (WAD). Also called: WEYERS ACRODENTAL DYSOSTOSIS. Identifiers: Orphanet 952, MedGen C0457013, MONDO:0008673, OMIM 193530.

Submission:

Labcorp Genetics (formerly Invitae), Labcorp
Classification: Uncertain significance for Curry-Hall syndrome; Ellis-van Creveld syndrome. Last evaluated: 2024-11-05. Review status: criteria provided, single submitter. Criteria: Invitae Variant Classification Sherloc (09022015). Collection method: clinical testing. Allele origin: germline.
Comment: This variant, c.2164_2172dup, results in the insertion of 3 amino acid(s) of the EVC2 protein (p.Glu722_Leu724dup), but otherwise preserves the integrity of the reading frame. This variant is present in population databases (no rsID available, gnomAD 0.008%). This variant has not been reported in the literature in individuals affected with EVC2-related conditions. ClinVar contains an entry for this variant (Variation ID: 2166854). Experimental studies and prediction algorithms are not available or were not evaluated, and the functional significance of this variant is currently unknown. In summary, the available evidence is currently insufficient to determine the role of this variant in disease. Therefore, it has been classified as a Variant of Uncertain Significance.